The following is an entry in ClinVar:

ClinVar aggregate classification (germline): Conflicting classifications of pathogenicity. Review status: criteria provided, conflicting classifications (1 of 4 stars). 3 submissions from 3 submitters: Pathogenic (2); Uncertain significance (1). Last evaluated 2025-11-27.

Conditions:
Charcot-Marie-Tooth disease type 2. Also called: Charcot-Marie-Tooth type 2. Identifiers: Orphanet 64746, MedGen C0270914, MONDO:0018993.
LMNA-related disorder. Also called: LMNA-related condition; LMNA-related disease; LMNA-related disorders. Identifiers: MedGen CN380145.

Submissions (3):

Labcorp Genetics (formerly Invitae), Labcorp
Classification: Pathogenic for Charcot-Marie-Tooth disease type 2. Last evaluated: 2025-11-27. Review status: criteria provided, single submitter. Criteria: Invitae Variant Classification Sherloc (09022015). Collection method: clinical testing. Allele origin: germline.
Comment: This sequence change replaces arginine, which is basic and polar, with leucine, which is neutral and non-polar, at codon 41 of the LMNA protein (p.Arg41Leu). This variant is not present in population databases (gnomAD no frequency). This missense change has been observed in individual(s) with Emery-Dreifuss muscular dystrophy (PMID: 29250285). In at least one individual the variant was observed to be de novo. ClinVar contains an entry for this variant (Variation ID: 447702). Invitae Evidence Modeling of protein sequence and biophysical properties (such as structural, functional, and spatial information, amino acid conservation, physicochemical variation, residue mobility, and thermodynamic stability) indicates that this missense variant is expected to disrupt LMNA protein function with a positive predictive value of 95%. This variant disrupts the p.Arg41 amino acid residue in LMNA. Other variant(s) that disrupt this residue have been determined to be pathogenic (PMID: 20980393; internal data). This suggests that this residue is clinically significant, and that variants that disrupt this residue are likely to be disease-causing. For these reasons, this variant has been classified as Pathogenic.

3billion
Classification: Pathogenic for LMNA-related disorder. Last evaluated: 2025-07-29. Review status: criteria provided, single submitter. Criteria: ACMG Guidelines, 2015. Collection method: clinical testing. Allele origin: germline. Affected: yes.
Comment: The variant is not observed in the gnomAD v4.1.0 dataset. Predicted Consequence/Location: Missense variant In silico tool predictions suggest damaging effect of the variant on gene or gene product [REVEL: 0.97 (>=0.6, sensitivity 0.68 and specificity 0.92); 3Cnet: 0.99 (> 0.75, sensitivity 0.96 and precision 0.92)]. The same nucleotide change resulting in the same amino acid change has been previously reported to be associated with LMNA-related disorder (ClinVar ID: VCV000447702 /PMID: 29250285). The variant has been previously reported as de novo in a similarly affected individual (PMID: 29250285). Different missense changes at the same codon (p.Arg41Cys, p.Arg41Gly, p.Arg41His, p.Arg41Pro, p.Arg41Ser) have been reported as pathogenic/likely pathogenic with strong evidence (ClinVar ID: VCV000408994, VCV000648598, VCV000806240, VCV002733990 /PMID: 20980393, 32571898, 33940562). Therefore, this variant is classified as Pathogenic according to the recommendation of ACMG/AMP guideline.

Athena Diagnostics
Classification: Uncertain significance. Last evaluated: 2017-06-08. Review status: criteria provided, single submitter. Criteria: Athena Diagnostics Criteria. Collection method: clinical testing. Allele origin: germline.

Literature cited by the submitters: PubMed 29250285 (cited by Labcorp Genetics (formerly Invitae), Labcorp and 3billion); PubMed 20980393 (cited by Labcorp Genetics (formerly Invitae), Labcorp and 3billion).

NM_170707.4(LMNA):c.122G>T (p.Arg41Leu)

Gene: LMNA (lamin A/C; plus strand). Cytogenetic location: 1q22.
Variant type: single nucleotide variant.
Coding change: c.122G>T on transcript NM_170707.4 (MANE Select); coding-DNA position 122, G replaced by T.
Protein change: p.Arg41Leu; replaces arginine 41 with leucine.
Molecular consequence: missense variant.
Genome position (GRCh38, 1-based): chr1:156,115,040, G>T. VCF-style: chr1-156115040-G-T. GRCh37 (hg19) VCF-style: chr1-156084831-G-T.
Other names: c.122G>T, p.Arg41Leu (NM_001282625.2, NM_001282626.2, NM_005572.4 and 1 more transcripts); short protein forms R41L.
Identifiers: ClinVar variation 447702 (VCV000447702.9), dbSNP rs1060502215, ClinGen allele CA342807753.